The following is an entry in ClinVar:

ClinVar aggregate classification (germline): Conflicting classifications of pathogenicity. Review status: criteria provided, conflicting classifications (1 of 4 stars). 2 submissions from 2 submitters: Uncertain significance (1); Benign (1). Last evaluated 2023-06-01.

Conditions:
Congenital disorder of glycosylation (CDG). Also called: Congenital disorders of glycosylation; Carbohydrate-deficient glycoprotein syndrome. Identifiers: Orphanet 137, MedGen C0282577, MONDO:0015286.

Allele frequency attached by ClinVar (database versions not stated): 1000 Genomes Project 0.00020; 1000 Genomes Project 30x 0.00031; TOPMed 0.00443; gnomAD 0.00672 and 0.00707.

Submissions (2):

CeGaT Center for Human Genetics Tuebingen
Classification: Benign. Last evaluated: 2023-06-01. Review status: criteria provided, single submitter. Criteria: CeGaT Center For Human Genetics Tuebingen Variant Classification Criteria Version 2. Collection method: clinical testing. Allele origin: germline. Affected: yes. Observed: 7 variant alleles.
Comment: TUSC3: BS1, BS2

Illumina Laboratory Services, Illumina
Classification: Uncertain significance for Congenital disorder of glycosylation. Last evaluated: 2018-01-13. Review status: criteria provided, single submitter. Criteria: ICSL Variant Classification Criteria 13 December 2019. Collection method: clinical testing. Allele origin: germline.

NM_006765.4(TUSC3):c.*1665T>C

Gene: TUSC3 (tumor suppressor candidate 3; plus strand). Cytogenetic location: 8p22.
Variant type: single nucleotide variant.
Coding change: c.*1665T>C on transcript NM_006765.4 (MANE Select); 1665 bases downstream of the stop codon, T replaced by C.
Molecular consequence: 3 prime UTR variant.
Genome position (GRCh38, 1-based): chr8:15,765,821, T>C. VCF-style: chr8-15765821-T-C. GRCh37 (hg19) VCF-style: chr8-15623330-T-C.
Other names: c.*1603T>C (NM_178234.2).
Identifiers: ClinVar variation 362334 (VCV000362334.29), dbSNP rs562496423, ClinGen allele CA10625063.